The following is an entry in ClinVar:

ClinVar aggregate classification (germline): Uncertain significance. Review status: criteria provided, multiple submitters, no conflicts (2 of 4 stars). 2 submissions from 2 submitters: Uncertain significance (2). Last evaluated 2024-10-23.

Allele frequency attached by ClinVar (database versions not stated): gnomAD exomes 0.00001; TOPMed 0.00002; gnomAD 0.00003; ExAC 0.00008.
gnomAD v4.1: 22 of 1,597,676 alleles (0.0014%); highest among the groups gnomAD compares: African/African-American, 0.004%; no homozygotes.

Submissions (2):

Labcorp Genetics (formerly Invitae), Labcorp
Classification: Uncertain significance. Last evaluated: 2024-10-23. Review status: criteria provided, single submitter. Criteria: Invitae Variant Classification Sherloc (09022015). Collection method: clinical testing. Allele origin: germline.
Comment: This sequence change replaces glycine, which is neutral and non-polar, with arginine, which is basic and polar, at codon 400 of the AHDC1 protein (p.Gly400Arg). The frequency data for this variant in the population databases is considered unreliable, as metrics indicate poor data quality at this position in the gnomAD database. This variant has not been reported in the literature in individuals affected with AHDC1-related conditions. ClinVar contains an entry for this variant (Variation ID: 1936172). An algorithm developed to predict the effect of missense changes on protein structure and function (PolyPhen-2) suggests that this variant is likely to be disruptive. In summary, the available evidence is currently insufficient to determine the role of this variant in disease. Therefore, it has been classified as a Variant of Uncertain Significance.

Women's Health and Genetics/Laboratory Corporation of America, LabCorp
Classification: Uncertain significance. Last evaluated: 2024-06-07. Review status: criteria provided, single submitter. Criteria: LabCorp Variant Classification Summary - May 2015. Collection method: clinical testing. Allele origin: germline.
Comment: Variant summary: AHDC1 c.1198G>A (p.Gly400Arg) results in a non-conservative amino acid change in the encoded protein sequence. Three of five in-silico tools predict a damaging effect of the variant on protein function. The variant allele was found at a frequency of 2.3e-05 in 217888 control chromosomes. The available data on variant occurrences in the general population are insufficient to allow any conclusion about variant significance. To our knowledge, no occurrence of c.1198G>A in individuals affected with Xia-Gibbs Syndrome and no experimental evidence demonstrating its impact on protein function have been reported. ClinVar contains an entry for this variant (Variation ID: 1936172). Based on the evidence outlined above, the variant was classified as uncertain significance.

NM_001371928.1(AHDC1):c.1198G>A (p.Gly400Arg)

Gene: AHDC1 (AT-hook DNA binding motif containing 1; minus strand). Cytogenetic location: 1p36.11.
Variant type: single nucleotide variant.
Coding change: c.1198G>A on transcript NM_001371928.1 (MANE Select); coding-DNA position 1198, G replaced by A.
Protein change: p.Gly400Arg; replaces glycine 400 with arginine.
Molecular consequence: missense variant.
Genome position (GRCh38, 1-based): chr1:27,550,918, C>T on the plus strand (G>A on the coding strand, the complement: AHDC1 is on the minus strand). VCF-style: chr1-27550918-C-T. GRCh37 (hg19) VCF-style: chr1-27877429-C-T.
Other names: c.1198G>A, p.Gly400Arg (NM_001029882.3); short protein forms G400R.
Identifiers: ClinVar variation 1936172 (VCV001936172.6), dbSNP rs750185125, ClinGen allele CA715995.
Genomic context (GRCh38, chr1:27,550,918, plus strand): 5'-TGGGCATAGGCAGGGGCAGTAGGCGGCCCTCGGGTCCGGCGTCTGCCTTGCGTCCCCGTC[C>T]GGCTTTCCGCCGGCGACACAGGATCTTTGGCCTATCAGTGCGCCGCAAGGCGTACTTGGG-3'
Protein context (NP_001358857.1, residues 390-410): PKILCRRRKA[Gly400Arg]RGRKADAGPE